The following is an entry in ClinVar:

ClinVar aggregate classification (germline): Pathogenic (1 of 4 stars; one submission).

Conditions:
BAP1-related tumor predisposition syndrome (TPDS1). Also called: BAP1 tumor predisposition syndrome; TUMOR PREDISPOSITION SYNDROME 1; COMMON Syndrome; Tumor susceptibility linked to germline BAP1 mutations. Identifiers: Orphanet 289539, MedGen C3280492, MONDO:0013692, OMIM 614327.

Submission:

Myriad Genetics, Inc.
Classification: Pathogenic for BAP1-related tumor predisposition syndrome. Last evaluated: 2025-12-31. Review status: criteria provided, single submitter. Criteria: Myriad Autosomal Dominant, Autosomal Recessive and X-Linked Classification Criteria (2023). Collection method: clinical testing. Allele origin: unknown.
Comment: This variant is considered pathogenic. This variant creates a frameshift predicted to result in premature protein truncation.

NM_004656.4(BAP1):c.1366del (p.Gln456fs)

Gene: BAP1 (BRCA1 associated deubiquitinase 1; minus strand). Cytogenetic location: 3p21.1.
Variant type: Deletion.
Coding change: c.1366del on transcript NM_004656.4 (MANE Select); coding-DNA position 1366, one base deleted (C; older notation c.1366delC).
Protein change: p.Gln456fs; shifts the reading frame from glutamine 456.
Molecular consequence: frameshift variant.
Genome position (GRCh38, 1-based): chr3:52,403,779, G deleted on the plus strand (C on the coding strand, the reverse complement: BAP1 is on the minus strand); the first of 3 consecutive G bases (chr3:52,403,779-52,403,781); deleting any one gives the same sequence. VCF-style (leftmost placement, unchanged base first): chr3-52403778-TG-T. GRCh37 (hg19) VCF-style: chr3-52437794-TG-T.
Other names: c.1312del, p.Gln438fs (NM_001410772.1); short protein forms Q438fs, Q456fs.
Identifiers: ClinVar variation 4812962 (VCV004812962.1).